The following is an entry in ClinVar:

ClinVar aggregate classification (germline): Uncertain significance (1 of 4 stars; one submission).

Submission:

Labcorp Genetics (formerly Invitae), Labcorp
Classification: Uncertain significance. Last evaluated: 2024-03-11. Review status: criteria provided, single submitter. Criteria: Invitae Variant Classification Sherloc (09022015). Collection method: clinical testing. Allele origin: germline.
Comment: This sequence change replaces leucine, which is neutral and non-polar, with phenylalanine, which is neutral and non-polar, at codon 183 of the CFB protein (p.Leu183Phe). This variant is not present in population databases (gnomAD no frequency). This variant has not been reported in the literature in individuals affected with CFB-related conditions. Advanced modeling of protein sequence and biophysical properties (such as structural, functional, and spatial information, amino acid conservation, physicochemical variation, residue mobility, and thermodynamic stability) performed at Invitae indicates that this missense variant is not expected to disrupt CFB protein function with a negative predictive value of 80%. In summary, the available evidence is currently insufficient to determine the role of this variant in disease. Therefore, it has been classified as a Variant of Uncertain Significance.

NM_001710.6(CFB):c.547C>T (p.Leu183Phe)

Gene: CFB (complement factor B; plus strand). Cytogenetic location: 6p21.33.
Variant type: single nucleotide variant.
Coding change: c.547C>T on transcript NM_001710.6 (MANE Select); coding-DNA position 547, C replaced by T.
Protein change: p.Leu183Phe; replaces leucine 183 with phenylalanine.
Molecular consequence: missense variant.
Genome position (GRCh38, 1-based): chr6:31,947,410, C>T. VCF-style: chr6-31947410-C-T. GRCh37 (hg19) VCF-style: chr6-31915187-C-T.
Other names: short protein forms L183F.
Identifiers: ClinVar variation 3637427 (VCV003637427.2).